The following is an entry in ClinVar:

ClinVar aggregate classification (germline): Benign/Likely benign. Review status: criteria provided, multiple submitters, no conflicts (2 of 4 stars). 6 submissions from 6 submitters: Benign (2); Likely benign (2). 2 of the submissions do not count toward it. Last evaluated 2026-02-02.

Conditions:
D2HGDH-related disorder. Also called: D2HGDH-related condition.
D-2-hydroxyglutaric aciduria 1 (D2HGA1). Identifiers: Orphanet 79315, MedGen C3152055, MONDO:0024554, OMIM 600721.

Allele frequency attached by ClinVar (database versions not stated): ExAC 0.00763; gnomAD 0.02567 and 0.02768; ESP Exome Variant Server 0.02624; TOPMed 0.02812; 1000 Genomes Project 0.02915; 1000 Genomes Project 30x 0.03045.
gnomAD v4.1: 7,692 of 1,612,206 alleles (0.48%); highest among the groups gnomAD compares: African/African-American, 9%; 328 homozygotes.

Submissions (6):

Labcorp Genetics (formerly Invitae), Labcorp
Classification: Benign for D-2-hydroxyglutaric aciduria 1. Last evaluated: 2026-02-02. Review status: criteria provided, single submitter. Criteria: Invitae Variant Classification Sherloc (09022015). Collection method: clinical testing. Allele origin: germline.

Illumina Laboratory Services, Illumina
Classification: Benign for D-2-hydroxyglutaric aciduria 1. Last evaluated: 2018-01-12. Review status: criteria provided, single submitter. Criteria: ICSL Variant Classification Criteria 13 December 2019. Collection method: clinical testing. Allele origin: germline.
Comment: This variant was observed in the ICSL laboratory as part of a predisposition screen in an ostensibly healthy population. It had not been previously curated by ICSL or reported in the Human Gene Mutation Database (HGMD: prior to June 1st, 2018), and was therefore a candidate for classification through an automated scoring system. Utilizing variant allele frequency, disease prevalence and penetrance estimates, and inheritance mode, an automated score was calculated to assess if this variant is too frequent to cause the disease. Based on the score and internal cut-off values, a variant classified as benign is not then subjected to further curation. The score for this variant resulted in a classification of benign for this disease.

Genetic Services Laboratory, University of Chicago
Classification: Likely benign. Last evaluated: 2013-10-31. Review status: criteria provided, single submitter. Criteria: ACMG Guidelines, 2007. Collection method: clinical testing. Allele origin: germline. Inheritance: Autosomal recessive inheritance.
Comment: Likely benign based on allele frequency in 1000 Genomes Project or ESP global frequency and its presence in a patient with a rare or unrelated disease phenotype. NOT Sanger confirmed

Breakthrough Genomics
Classification: Likely benign. Review status: criteria provided, single submitter. Criteria: ACMG Guidelines, 2015. Collection method: not provided. Allele origin: germline. Inheritance: Autosomal recessive inheritance. Affected: yes.

PreventionGenetics, part of Exact Sciences
Classification: Benign for D2HGDH-related condition. Last evaluated: 2021-06-30. Review status: no assertion criteria provided. Collection method: clinical testing. Allele origin: germline. Not counted in ClinVar's aggregate classification.
Comment: This variant is classified as benign based on ACMG/AMP sequence variant interpretation guidelines (Richards et al. 2015 PMID: 25741868, with internal and published modifications).

Mayo Clinic Laboratories, Mayo Clinic
Classification: Benign. Last evaluated: 2016-03-16. Review status: no assertion criteria provided. Collection method: clinical testing. Allele origin: unknown. Not counted in ClinVar's aggregate classification.

NM_152783.5(D2HGDH):c.1395G>A (p.Thr465=)

Gene: D2HGDH (D-2-hydroxyglutarate dehydrogenase; plus strand). Cytogenetic location: 2q37.3.
Variant type: single nucleotide variant.
Coding change: c.1395G>A on transcript NM_152783.5 (MANE Select); coding-DNA position 1395, G replaced by A.
Protein change: p.Thr465=; no amino-acid change (threonine 465 retained).
Molecular consequence: synonymous variant. On other transcripts: non-coding transcript variant (1).
Genome position (GRCh38, 1-based): chr2:241,767,798, G>A. VCF-style: chr2-241767798-G-A. GRCh37 (hg19) VCF-style: chr2-242707213-G-A.
Other names: c.993G>A, p.Thr331= (NM_001287249.2); c.834G>A, p.Thr278= (NM_001352824.2).
Identifiers: ClinVar variation 158413 (VCV000158413.26), dbSNP rs111670322, ClinGen allele CA171829.